The following is an entry in ClinVar:

ClinVar aggregate classification (germline): Benign/Likely benign. Review status: criteria provided, multiple submitters, no conflicts (2 of 4 stars). 5 submissions from 5 submitters: Benign (4); Likely benign (1). Last evaluated 2026-01-25.

Conditions:
Short stature-optic atrophy-Pelger-Huët anomaly syndrome. Also called: Short stature, optic nerve atrophy, and Pelger-Huet anomaly; Short stature-optic atrophy-Pelger-HuC+t anomaly syndrome. Identifiers: Orphanet 391677, MedGen C3541319, MONDO:0013889, OMIM 614800.
Infantile liver failure syndrome 2 (ILFS2). Identifiers: MedGen C3809651, MONDO:0014659, OMIM 616483.

Allele frequency attached by ClinVar (database versions not stated): gnomAD 0.00001 and 0.00042; TOPMed 0.00008; gnomAD exomes 0.00143; ExAC 0.00175; 1000 Genomes Project 0.00260; 1000 Genomes Project 30x 0.00265.
gnomAD v4.1: 1,101 of 1,613,648 alleles (0.068%); highest among the groups gnomAD compares: South Asian, 1.1%; 23 homozygotes.

Submissions (5):

Labcorp Genetics (formerly Invitae), Labcorp
Classification: Benign. Last evaluated: 2026-01-25. Review status: criteria provided, single submitter. Criteria: Invitae Variant Classification Sherloc (09022015). Collection method: clinical testing. Allele origin: germline.

Mayo Clinic Laboratories, Mayo Clinic
Classification: Benign. Last evaluated: 2025-05-07. Review status: criteria provided, single submitter. Criteria: ACMG Guidelines, 2015. Collection method: clinical testing. Allele origin: germline. Observed: 1 variant allele.
Comment: BS1, BS2

CeGaT Center for Human Genetics Tuebingen
Classification: Benign. Last evaluated: 2023-03-01. Review status: criteria provided, single submitter. Criteria: CeGaT Center For Human Genetics Tuebingen Variant Classification Criteria Version 2. Collection method: clinical testing. Allele origin: germline. Affected: yes. Observed: 1 variant allele.
Comment: NBAS: BP4, BS1, BS2

Women's Health and Genetics/Laboratory Corporation of America, LabCorp
Classification: Benign. Last evaluated: 2022-07-01. Review status: criteria provided, single submitter. Criteria: LabCorp Variant Classification Summary - May 2015. Collection method: clinical testing. Allele origin: germline.
Comment: Variant summary: NBAS c.2990A>C (p.Glu997Ala) results in a non-conservative amino acid change located in the Sec39 domain (IPR013244) of the encoded protein sequence. Three of five in-silico tools predict a damaging effect of the variant on protein function. The variant allele was found at a frequency of 0.0014 in 251138 control chromosomes, predominantly at a frequency of 0.012 within the South Asian subpopulation in the gnomAD database, including 9 homozygotes. The observed variant frequency within South Asian control individuals in the gnomAD database is approximately 11 fold of the estimated maximal expected allele frequency for a pathogenic variant in NBAS causing Liver Failure Acute Infantile, Type 2 phenotype (0.0011), strongly suggesting that the variant is a benign polymorphism found primarily in populations of South Asian origin. To our knowledge, no occurrence of c.2990A>C in individuals affected with Liver Failure Acute Infantile, Type 2 and no experimental evidence demonstrating its impact on protein function have been reported. One clinical diagnostic laboratory has submitted clinical-significance assessments for this variant to ClinVar after 2014 without evidence for independent evaluation and classified the variant as benign/likely benign. Based on the evidence outlined above, the variant was classified as benign.

Fulgent Genetics
Classification: Likely benign for Short stature-optic atrophy-Pelger-Huët anomaly syndrome; Infantile liver failure syndrome 2. Last evaluated: 2021-09-01. Review status: criteria provided, single submitter. Criteria: ACMG Guidelines, 2015. Collection method: clinical testing. Allele origin: unknown.

NM_015909.4(NBAS):c.2990A>C (p.Glu997Ala)

Gene: NBAS (NBAS subunit of NRZ tethering complex; minus strand). Cytogenetic location: 2p24.3.
Variant type: single nucleotide variant.
Coding change: c.2990A>C on transcript NM_015909.4 (MANE Select); coding-DNA position 2990, A replaced by C.
Protein change: p.Glu997Ala; replaces glutamic acid 997 with alanine.
Molecular consequence: missense variant. On other transcripts: non-coding transcript variant (1).
Genome position (GRCh38, 1-based): chr2:15,402,249, T>G on the plus strand (A>C on the coding strand, the complement: NBAS is on the minus strand). VCF-style: chr2-15402249-T-G. GRCh37 (hg19) VCF-style: chr2-15542373-T-G.
Other names: p.Glu997Ala; short protein forms E997A.
Identifiers: ClinVar variation 1167816 (VCV001167816.40), dbSNP rs538592084, ClinGen allele CA1536199.